The following is an entry in ClinVar:

ClinVar aggregate classification (germline): Likely benign (1 of 4 stars; one submission).

Allele frequency attached by ClinVar (database versions not stated): 1000 Genomes Project 30x 0.00016; gnomAD exomes 0.00016; ExAC 0.00018; gnomAD 0.00019; TOPMed 0.00019; 1000 Genomes Project 0.00020; ESP Exome Variant Server 0.00024.
gnomAD v4.1: 270 of 1,612,736 alleles (0.017%); highest among the groups gnomAD compares: Middle Eastern, 0.017%; 1 homozygote.

Submission:

CeGaT Center for Human Genetics Tuebingen
Classification: Likely benign. Last evaluated: 2023-03-01. Review status: criteria provided, single submitter. Criteria: CeGaT Center For Human Genetics Tuebingen Variant Classification Criteria Version 2. Collection method: clinical testing. Allele origin: germline. Affected: yes. Observed: 1 variant allele.
Comment: ABLIM2: BP4, BP7

NM_001130083.2(ABLIM2):c.645T>C (p.Cys215=)

Gene: ABLIM2 (actin binding LIM protein family member 2; minus strand). Cytogenetic location: 4p16.1.
Variant type: single nucleotide variant.
Coding change: c.645T>C on transcript NM_001130083.2 (MANE Select); coding-DNA position 645, T replaced by C.
Protein change: p.Cys215=; no amino-acid change (cysteine 215 retained).
Molecular consequence: synonymous variant.
Genome position (GRCh38, 1-based): chr4:8,077,658, A>G on the plus strand (T>C on the coding strand, the complement: ABLIM2 is on the minus strand). VCF-style: chr4-8077658-A-G. GRCh37 (hg19) VCF-style: chr4-8079385-A-G.
Other names: c.645T>C, p.Cys215= (NM_001130084.2, NM_001130085.2, NM_001130086.2 and 3 more transcripts).
Identifiers: ClinVar variation 2654642 (VCV002654642.24), dbSNP rs202211361, ClinGen allele CA2848271.